The following is an entry in ClinVar:

ClinVar aggregate classification (germline): Uncertain significance. Review status: criteria provided, multiple submitters, no conflicts (2 of 4 stars). 2 submissions from 2 submitters: Uncertain significance (2). Last evaluated 2024-03-07.

Conditions:
Rabson-Mendenhall syndrome. Also called: Pineal hyperplasia AND diabetes mellitus syndrome; Pineal Hyperplasia, Insulin-Resistant Diabetes Mellitus, and Somatic Abnormalities; MENDENHALL SYNDROME. Identifiers: Orphanet 769, MedGen C0271695, MONDO:0009874, OMIM 262190.

Allele frequency attached by ClinVar (database versions not stated): gnomAD exomes below 0.00001; ExAC 0.00001; gnomAD 0.00001; TOPMed 0.00001.
gnomAD v4.1: 7 of 1,613,852 alleles (0.00043%); highest among the groups gnomAD compares: Admixed American, 0.0033%; no homozygotes.

Submissions (2):

3billion
Classification: Uncertain significance for Rabson-Mendenhall syndrome. Last evaluated: 2024-03-07. Review status: criteria provided, single submitter. Criteria: ACMG Guidelines, 2015. Collection method: clinical testing. Allele origin: germline. Affected: yes.
Comment: The variant is observed at an extremely low frequency in the gnomAD v2.1.1 dataset (total allele frequency: <0.001%). Predicted Consequence/Location: Missense changes are a common disease-causing mechanism. In silico tool predictions suggest damaging effect of the variant on gene or gene product [REVEL: 0.77 (>=0.6, sensitivity 0.68 and specificity 0.92)]. Same nucleotide change resulting in same amino acid change has been previously reported to be associated with INSR-related disorder (PMID: 17201797). However, the evidence of pathogenicity is insufficient at this time. Therefore, this variant is classified as VUS according to the recommendation of ACMG/AMP guideline.

Labcorp Genetics (formerly Invitae), Labcorp
Classification: Uncertain significance. Last evaluated: 2021-07-27. Review status: criteria provided, single submitter. Criteria: Invitae Variant Classification Sherloc (09022015). Collection method: clinical testing. Allele origin: germline.
Comment: This variant is present in population databases (rs764221583, ExAC 0.01%). In summary, the available evidence is currently insufficient to determine the role of this variant in disease. Therefore, it has been classified as a Variant of Uncertain Significance. Algorithms developed to predict the effect of missense changes on protein structure and function are either unavailable or do not agree on the potential impact of this missense change (SIFT: "Not Available"; PolyPhen-2: "Probably Damaging"; Align-GVGD: "Not Available"). This variant is also known as c.1682G >A (p.Gly359Ser). This missense change has been observed in individual(s) with Rabson-Mendenhall syndrome (PMID: 17201797). This sequence change replaces glycine with serine at codon 386 of the INSR protein (p.Gly386Ser). The glycine residue is moderately conserved and there is a small physicochemical difference between glycine and serine.

Literature cited by the submitters: PubMed 17201797 (cited by 3billion and Labcorp Genetics (formerly Invitae), Labcorp).

NM_000208.4(INSR):c.1156G>A (p.Gly386Ser)

Gene: INSR (insulin receptor; minus strand). Cytogenetic location: 19p13.2.
Variant type: single nucleotide variant.
Coding change: c.1156G>A on transcript NM_000208.4 (MANE Select); coding-DNA position 1156, G replaced by A.
Protein change: p.Gly386Ser; replaces glycine 386 with serine.
Molecular consequence: missense variant.
Genome position (GRCh38, 1-based): chr19:7,172,402, C>T on the plus strand (G>A on the coding strand, the complement: INSR is on the minus strand). VCF-style: chr19-7172402-C-T. GRCh37 (hg19) VCF-style: chr19-7172413-C-T.
Other names: c.1156G>A, p.Gly386Ser (NM_001079817.3); short protein forms G386S.
Identifiers: ClinVar variation 1500944 (VCV001500944.7), dbSNP rs764221583, ClinGen allele CA9135898.